The following is an entry in ClinVar:

NM_016156.6(MTMR2):c.185G>A (p.Arg62Lys)

Gene: MTMR2 (myotubularin related protein 2; minus strand). Cytogenetic location: 11q21.
Variant type: single nucleotide variant.
Coding change: c.185G>A on transcript NM_016156.6 (MANE Select); coding-DNA position 185, G replaced by A.
Protein change: p.Arg62Lys; replaces arginine 62 with lysine.
Molecular consequence: missense variant. On other transcripts: 5 prime UTR variant (3).
Genome position (GRCh38, 1-based): chr11:95,888,157, C>T on the plus strand (G>A on the coding strand, the complement: MTMR2 is on the minus strand). VCF-style: chr11-95888157-C-T. GRCh37 (hg19) VCF-style: chr11-95621321-C-T.
Other names: c.-228G>A (NM_001243571.2); c.-155G>A (NM_201278.3); c.-32G>A (NM_201281.3); c.185G>A (NM_016156.5); short protein forms R62K.
Identifiers: ClinVar variation 1501950 (VCV001501950.7), dbSNP rs528638298, ClinGen allele CA6240449.

ClinVar aggregate classification (germline): Uncertain significance. Review status: criteria provided, multiple submitters, no conflicts (2 of 4 stars). 2 submissions from 2 submitters: Uncertain significance (2). Last evaluated 2024-11-26.

Conditions:
Inborn genetic diseases. Identifiers: MedGen C0950123, MeSH D030342.
Charcot-Marie-Tooth disease type 4. Also called: Charcot-Marie-Tooth disease, type IV; Charcot-Marie-Tooth, Type 4. Identifiers: Orphanet 64749, MedGen C4082197, MONDO:0018995.

Allele frequency attached by ClinVar (database versions not stated): gnomAD exomes 0.00001 and 0.00002; ExAC 0.00002; TOPMed 0.00002; gnomAD 0.00003 and 0.00004; 1000 Genomes Project 0.00020.

Submissions (2):

Ambry Genetics
Classification: Uncertain significance for Inborn genetic diseases. Last evaluated: 2024-11-26. Review status: criteria provided, single submitter. Criteria: Ambry Variant Classification Scheme 2023. Collection method: clinical testing. Allele origin: germline.

Labcorp Genetics (formerly Invitae), Labcorp
Classification: Uncertain significance for Charcot-Marie-Tooth disease type 4. Last evaluated: 2023-08-17. Review status: criteria provided, single submitter. Criteria: Invitae Variant Classification Sherloc (09022015). Collection method: clinical testing. Allele origin: germline.
Comment: This variant is present in population databases (rs528638298, gnomAD 0.02%). This sequence change replaces arginine, which is basic and polar, with lysine, which is basic and polar, at codon 62 of the MTMR2 protein (p.Arg62Lys). This variant has not been reported in the literature in individuals affected with MTMR2-related conditions. ClinVar contains an entry for this variant (Variation ID: 1501950). Algorithms developed to predict the effect of missense changes on protein structure and function output the following: SIFT: "Not Available"; PolyPhen-2: "Benign"; Align-GVGD: "Not Available". The lysine amino acid residue is found in multiple mammalian species, which suggests that this missense change does not adversely affect protein function. In summary, the available evidence is currently insufficient to determine the role of this variant in disease. Therefore, it has been classified as a Variant of Uncertain Significance.